The following is an entry in ClinVar:

ClinVar aggregate classification (germline): Uncertain significance (1 of 4 stars; one submission).

Conditions:
Severe early-onset pulmonary alveolar proteinosis due to MARS deficiency. Also called: PULMONARY ALVEOLAR PROTEINOSIS, REUNION ISLAND; Interstitial lung and liver disease. Identifiers: Orphanet 440427, MedGen C4225400, MONDO:0014206, OMIM 615486.
Charcot-Marie-Tooth disease axonal type 2U. Also called: CHARCOT-MARIE-TOOTH NEUROPATHY, TYPE 2U; CHARCOT-MARIE-TOOTH DISEASE, AXONAL, AUTOSOMAL DOMINANT, TYPE 2U. Identifiers: Orphanet 397735, MedGen C4084821, MONDO:0014566, OMIM 616280.

gnomAD v4.1: 7 of 1,614,010 alleles (0.00043%); highest among the groups gnomAD compares: Non-Finnish European, 0.00042%; no homozygotes.

Submission:

Labcorp Genetics (formerly Invitae), Labcorp
Classification: Uncertain significance for Charcot-Marie-Tooth disease axonal type 2U; Severe early-onset pulmonary alveolar proteinosis due to MARS deficiency. Last evaluated: 2024-09-16. Review status: criteria provided, single submitter. Criteria: Invitae Variant Classification Sherloc (09022015). Collection method: clinical testing. Allele origin: germline.
Comment: This sequence change replaces arginine, which is basic and polar, with glycine, which is neutral and non-polar, at codon 118 of the MARS protein (p.Arg118Gly). This variant is present in population databases (rs151196994, gnomAD 0.0009%). This variant has not been reported in the literature in individuals affected with MARS-related conditions. An algorithm developed to predict the effect of missense changes on protein structure and function outputs the following: PolyPhen-2: "Benign". The glycine amino acid residue is found in multiple mammalian species, which suggests that this missense change does not adversely affect protein function. Algorithms developed to predict the effect of sequence changes on RNA splicing suggest that this variant may disrupt the consensus splice site. In summary, the available evidence is currently insufficient to determine the role of this variant in disease. Therefore, it has been classified as a Variant of Uncertain Significance.

NM_004990.4(MARS1):c.352C>G (p.Arg118Gly)

Gene: MARS1 (methionyl-tRNA synthetase 1; plus strand). Cytogenetic location: 12q13.3.
Variant type: single nucleotide variant.
Coding change: c.352C>G on transcript NM_004990.4 (MANE Select); coding-DNA position 352, C replaced by G.
Protein change: p.Arg118Gly; replaces arginine 118 with glycine.
Molecular consequence: missense variant.
Genome position (GRCh38, 1-based): chr12:57,489,496, C>G. VCF-style: chr12-57489496-C-G. GRCh37 (hg19) VCF-style: chr12-57883279-C-G.
Other names: short protein forms R118G.
Identifiers: ClinVar variation 3758196 (VCV003758196.2).